The following is an entry in ClinVar:

ClinVar aggregate classification (germline): Uncertain significance (1 of 4 stars; one submission).

Conditions:
Hereditary cancer-predisposing syndrome. Also called: Neoplastic Syndromes, Hereditary; Tumor predisposition; Hereditary Cancer Syndrome; Hereditary neoplastic syndrome. Identifiers: Orphanet 140162, MedGen C0027672, MeSH D009386, MONDO:0015356.

gnomAD v4.1: 1 of 1,596,098 alleles (0.000063%); highest among the groups gnomAD compares: Non-Finnish European, 0.000085%; no homozygotes.

Submission:

Ambry Genetics
Classification: Uncertain significance for Hereditary cancer-predisposing syndrome. Last evaluated: 2026-01-14. Review status: criteria provided, single submitter. Criteria: Ambry Variant Classification Scheme 2023. Collection method: clinical testing. Allele origin: germline.
Comment: The p.L210P variant (also known as c.629T>C), located in coding exon 5 of the POLD1 gene, results from a T to C substitution at nucleotide position 629. The leucine at codon 210 is replaced by proline, an amino acid with similar properties. This amino acid position is conserved. In addition, the in silico prediction for this alteration is inconclusive. Based on the available evidence, the clinical significance of this variant remains unclear.

NM_002691.4(POLD1):c.629T>C (p.Leu210Pro)

Gene: POLD1 (DNA polymerase delta 1, catalytic subunit; plus strand). Cytogenetic location: 19q13.33.
Variant type: single nucleotide variant.
Coding change: c.629T>C on transcript NM_002691.4 (MANE Select); coding-DNA position 629, T replaced by C.
Protein change: p.Leu210Pro; replaces leucine 210 with proline.
Molecular consequence: missense variant. On other transcripts: non-coding transcript variant (1).
Genome position (GRCh38, 1-based): chr19:50,402,244, T>C. VCF-style: chr19-50402244-T-C. GRCh37 (hg19) VCF-style: chr19-50905501-T-C.
Other names: c.629T>C, p.Leu210Pro (NM_001438212.1, NM_001438213.1, NM_001256849.1 and 3 more transcripts); short protein forms L210P.
Identifiers: ClinVar variation 4844379 (VCV004844379.1).